The following is an entry in ClinVar:

ClinVar aggregate classification (germline): Likely pathogenic (1 of 4 stars; one submission).

Conditions:
Ullrich congenital muscular dystrophy 2 (UCMD2). Identifiers: Orphanet 75840, MedGen C4225314, MONDO:0014654, OMIM 616470.
Bethlem myopathy 2 (BTHLM2). Identifiers: Orphanet 536516, Orphanet 610, MedGen C4225313, MONDO:0034022, OMIM 616471.

Submission:

Labcorp Genetics (formerly Invitae), Labcorp
Classification: Likely pathogenic for Bethlem myopathy 2; Ullrich congenital muscular dystrophy 2. Last evaluated: 2023-10-13. Review status: criteria provided, single submitter. Criteria: Invitae Variant Classification Sherloc (09022015). Collection method: clinical testing. Allele origin: germline.
Comment: This sequence change affects a donor splice site in intron 28 of the COL12A1 gene. It is expected to disrupt RNA splicing. Variants that disrupt the donor or acceptor splice site typically lead to a loss of protein function (PMID: 16199547), and loss-of-function variants in COL12A1 are known to be pathogenic (PMID: 24334604, 28973083). This variant is not present in population databases (gnomAD no frequency). This variant has not been reported in the literature in individuals affected with COL12A1-related conditions. Algorithms developed to predict the effect of sequence changes on RNA splicing suggest that this variant may disrupt the consensus splice site. In summary, the currently available evidence indicates that the variant is pathogenic, but additional data are needed to prove that conclusively. Therefore, this variant has been classified as Likely Pathogenic.

Literature cited by the submitters: PubMed 16199547; PubMed 24334604; PubMed 28973083.

NM_004370.6(COL12A1):c.5097+1G>A

Gene: COL12A1 (collagen type XII alpha 1 chain; minus strand). Cytogenetic location: 6q13.
Variant type: single nucleotide variant.
Coding change: c.5097+1G>A on transcript NM_004370.6 (MANE Select); the canonical splice donor site of the intron after coding-DNA position 5097, G replaced by A.
Molecular consequence: splice donor variant.
Genome position (GRCh38, 1-based): chr6:75,138,821, C>T on the plus strand (G>A on the coding strand, the complement: COL12A1 is on the minus strand). VCF-style: chr6-75138821-C-T. GRCh37 (hg19) VCF-style: chr6-75848537-C-T.
Other names: c.1605+1G>A (NM_001424116.1, NM_080645.3); c.4824+1G>A (NM_001424115.1); c.5097+1G>A (NM_001424114.1, NM_001424113.1).
Identifiers: ClinVar variation 2947594 (VCV002947594.3), dbSNP rs1441030917, ClinGen allele CA364739406.